The following is an entry in ClinVar:

ClinVar aggregate classification (germline): Uncertain significance (1 of 4 stars; one submission).

Submission:

Labcorp Genetics (formerly Invitae), Labcorp
Classification: Uncertain significance. Last evaluated: 2021-07-12. Review status: criteria provided, single submitter. Criteria: Invitae Variant Classification Sherloc (09022015). Collection method: clinical testing. Allele origin: germline.
Comment: This sequence change replaces arginine with threonine at codon 3817 of the ADGRV1 protein (p.Arg3817Thr). The arginine residue is weakly conserved and there is a moderate physicochemical difference between arginine and threonine. The frequency data for this variant in the population databases is not available, as this variant may be reported as separate entries in the ExAC database. This variant has not been reported in the literature in individuals affected with ADGRV1-related conditions. Algorithms developed to predict the effect of missense changes on protein structure and function are either unavailable or do not agree on the potential impact of this missense change (SIFT: "Not Available"; PolyPhen-2: "Benign"; Align-GVGD: "Not Available"). In summary, the available evidence is currently insufficient to determine the role of this variant in disease. Therefore, it has been classified as a Variant of Uncertain Significance.

NM_032119.4(ADGRV1):c.11450_11451delinsCT (p.Arg3817Thr)

Gene: ADGRV1 (adhesion G protein-coupled receptor V1; plus strand). Cytogenetic location: 5q14.3.
Variant type: Indel.
Coding change: c.11450_11451delinsCT on transcript NM_032119.4 (MANE Select); coding-DNA positions 11450 to 11451, GA replaced by CT.
Protein change: p.Arg3817Thr; replaces arginine 3817 with threonine.
Molecular consequence: missense variant. On other transcripts: non-coding transcript variant (1).
Genome position (GRCh38, 1-based): chr5:90,755,055-90,755,056, GA replaced by CT. VCF-style: chr5-90755055-GA-CT. GRCh37 (hg19) VCF-style: chr5-90050872-GA-CT.
Other names: short protein forms R3817T.
Identifiers: ClinVar variation 1525446 (VCV001525446.3), dbSNP rs2149973534, ClinGen allele CA2573140006.